The following is an entry in ClinVar:

ClinVar aggregate classification (germline): Uncertain significance. Review status: criteria provided, multiple submitters, no conflicts (2 of 4 stars). 2 submissions from 2 submitters: Uncertain significance (2). Last evaluated 2025-10-22.

Conditions:
Emery-Dreifuss muscular dystrophy 5, autosomal dominant (EDMD5). Also called: EMERY-DREIFUSS MUSCULAR DYSTROPHY 5. Identifiers: Orphanet 261, MedGen C2751805, MONDO:0013072, OMIM 612999.

gnomAD v4.1: 3 of 1,614,188 alleles (0.00019%); highest among the groups gnomAD compares: Non-Finnish European, 0.00025%; no homozygotes.

Submissions (2):

Labcorp Genetics (formerly Invitae), Labcorp
Classification: Uncertain significance for Emery-Dreifuss muscular dystrophy 5, autosomal dominant. Last evaluated: 2025-10-22. Review status: criteria provided, single submitter. Criteria: Invitae Variant Classification Sherloc (09022015). Collection method: clinical testing. Allele origin: germline.
Comment: This sequence change replaces asparagine, which is neutral and polar, with serine, which is neutral and polar, at codon 6030 of the SYNE2 protein (p.Asn6030Ser). This variant is present in population databases (rs777681705, gnomAD 0.002%). This variant has not been reported in the literature in individuals affected with SYNE2-related conditions. ClinVar contains an entry for this variant (Variation ID: 4178544). An algorithm developed to predict the effect of missense changes on protein structure and function (PolyPhen-2) suggests that this variant is likely to be disruptive. In summary, the available evidence is currently insufficient to determine the role of this variant in disease. Therefore, it has been classified as a Variant of Uncertain Significance.

Ambry Genetics
Classification: Uncertain significance. Last evaluated: 2025-08-24. Review status: criteria provided, single submitter. Criteria: Ambry Variant Classification Scheme 2023. Collection method: clinical testing. Allele origin: germline.

NM_182914.3(SYNE2):c.18089A>G (p.Asn6030Ser)

Gene: SYNE2 (spectrin repeat containing nuclear envelope protein 2; plus strand). Cytogenetic location: 14q23.2.
Variant type: single nucleotide variant.
Coding change: c.18089A>G on transcript NM_182914.3 (MANE Select); coding-DNA position 18089, A replaced by G.
Protein change: p.Asn6030Ser; replaces asparagine 6030 with serine.
Molecular consequence: missense variant.
Genome position (GRCh38, 1-based): chr14:64,202,851, A>G. VCF-style: chr14-64202851-A-G. GRCh37 (hg19) VCF-style: chr14-64669569-A-G.
Other names: c.18089A>G, p.Asn6030Ser (NM_015180.6); short protein forms N6030S.
Identifiers: ClinVar variation 4178544 (VCV004178544.2).